The following is an entry in ClinVar:

ClinVar aggregate classification (germline): Uncertain significance (1 of 4 stars; one submission).

Allele frequency attached by ClinVar (database versions not stated): gnomAD exomes 0.00001.

Submission:

Labcorp Genetics (formerly Invitae), Labcorp
Classification: Uncertain significance. Last evaluated: 2021-09-26. Review status: criteria provided, single submitter. Criteria: Invitae Variant Classification Sherloc (09022015). Collection method: clinical testing. Allele origin: germline.
Comment: Advanced modeling of protein sequence and biophysical properties (such as structural, functional, and spatial information, amino acid conservation, physicochemical variation, residue mobility, and thermodynamic stability) performed at Invitae indicates that this missense variant is not expected to disrupt ABCA4 protein function. This variant has not been reported in the literature in individuals affected with ABCA4-related conditions. This variant is not present in population databases (ExAC no frequency). This sequence change replaces aspartic acid with asparagine at codon 295 of the ABCA4 protein (p.Asp295Asn). The aspartic acid residue is highly conserved and there is a small physicochemical difference between aspartic acid and asparagine. In summary, the available evidence is currently insufficient to determine the role of this variant in disease. Therefore, it has been classified as a Variant of Uncertain Significance.

NM_000350.3(ABCA4):c.883G>A (p.Asp295Asn)

Gene: ABCA4 (ATP binding cassette subfamily A member 4; minus strand). Cytogenetic location: 1p22.1.
Variant type: single nucleotide variant.
Coding change: c.883G>A on transcript NM_000350.3 (MANE Select); coding-DNA position 883, G replaced by A.
Protein change: p.Asp295Asn; replaces aspartic acid 295 with asparagine.
Molecular consequence: missense variant.
Genome position (GRCh38, 1-based): chr1:94,080,694, C>T on the plus strand (G>A on the coding strand, the complement: ABCA4 is on the minus strand). VCF-style: chr1-94080694-C-T. GRCh37 (hg19) VCF-style: chr1-94546250-C-T.
Other names: c.883G>A, p.Asp295Asn (NM_001425324.1); short protein forms D295N.
Identifiers: ClinVar variation 1383481 (VCV001383481.6), dbSNP rs2101107071, ClinGen allele CA341284487.